The following is an entry in ClinVar:

NM_013275.6(ANKRD11):c.5156T>G (p.Met1719Arg)

Gene: ANKRD11 (ankyrin repeat domain containing 11; minus strand). Cytogenetic location: 16q24.3.
Variant type: single nucleotide variant.
Coding change: c.5156T>G on transcript NM_013275.6 (MANE Select); coding-DNA position 5156, T replaced by G.
Protein change: p.Met1719Arg; replaces methionine 1719 with arginine.
Molecular consequence: missense variant.
Genome position (GRCh38, 1-based): chr16:89,281,386, A>C on the plus strand (T>G on the coding strand, the complement: ANKRD11 is on the minus strand). VCF-style: chr16-89281386-A-C. GRCh37 (hg19) VCF-style: chr16-89347794-A-C.
Other names: c.5156T>G, p.Met1719Arg (NM_001256182.2, NM_001256183.2); short protein forms M1719R.
Identifiers: ClinVar variation 4525976 (VCV004525976.1).

ClinVar aggregate classification (germline): Uncertain significance (1 of 4 stars; one submission).

Submission:

Women's Health and Genetics/Laboratory Corporation of America, LabCorp
Classification: Uncertain significance. Last evaluated: 2025-07-11. Review status: criteria provided, single submitter. Criteria: LabCorp Variant Classification Summary - May 2015. Collection method: clinical testing. Allele origin: germline.
Comment: Variant summary: ANKRD11 c.5156T>G (p.Met1719Arg) results in a non-conservative amino acid change in the encoded protein sequence. Algorithms developed to predict the effect of missense changes on protein structure and function are either unavailable or do not agree on the potential impact of this missense change. The variant was absent in 248542 control chromosomes. The available data on variant occurrences in the general population are insufficient to allow any conclusion about variant significance. To our knowledge, no occurrence of c.5156T>G in individuals affected with KBG Syndrome and no experimental evidence demonstrating its impact on protein function have been reported. No submitters have cited clinical-significance assessments for this variant to ClinVar. Based on the evidence outlined above, the variant was classified as uncertain significance.